The following is an entry in ClinVar:

ClinVar aggregate classification (germline): Uncertain significance. Review status: criteria provided, multiple submitters, no conflicts (2 of 4 stars). 2 submissions from 2 submitters: Uncertain significance (2). Last evaluated 2025-09-15.

Conditions:
Hypertrophic cardiomyopathy. Also called: HYPERTROPHIC MYOCARDIOPATHY. Identifiers: Orphanet 217569, MedGen C0007194, MeSH D002312, MONDO:0005045, HP:0001639.

Submissions (2):

Labcorp Genetics (formerly Invitae), Labcorp
Classification: Uncertain significance for Hypertrophic cardiomyopathy. Last evaluated: 2025-09-15. Review status: criteria provided, single submitter. Criteria: Invitae Variant Classification Sherloc (09022015). Collection method: clinical testing. Allele origin: germline.
Comment: This sequence change replaces isoleucine, which is neutral and non-polar, with serine, which is neutral and polar, at codon 146 of the TPM1 protein (p.Ile146Ser). This variant is not present in population databases (gnomAD no frequency). This variant has not been reported in the literature in individuals affected with TPM1-related conditions. ClinVar contains an entry for this variant (Variation ID: 961300). An algorithm developed to predict the effect of missense changes on protein structure and function (PolyPhen-2) suggests that this variant is likely to be disruptive. In summary, the available evidence is currently insufficient to determine the role of this variant in disease. Therefore, it has been classified as a Variant of Uncertain Significance.

Clinical Genetics Laboratory, Skane University Hospital Lund
Classification: Uncertain significance. Last evaluated: 2022-05-27. Review status: criteria provided, single submitter. Criteria: ACMG Guidelines, 2015. Collection method: clinical testing. Allele origin: germline. Affected: yes.

NM_001018005.2(TPM1):c.437T>G (p.Ile146Ser)

Gene: TPM1 (tropomyosin 1; plus strand). Cytogenetic location: 15q22.2.
Variant type: single nucleotide variant.
Coding change: c.437T>G on transcript NM_001018005.2 (MANE Select); coding-DNA position 437, T replaced by G.
Protein change: p.Ile146Ser; replaces isoleucine 146 with serine.
Molecular consequence: missense variant.
Genome position (GRCh38, 1-based): chr15:63,059,625, T>G. VCF-style: chr15-63059625-T-G. GRCh37 (hg19) VCF-style: chr15-63351824-T-G.
Other names: c.437T>G, p.Ile146Ser (NM_000366.6, NM_001018004.2, NM_001018006.2 and 6 more transcripts); c.329T>G, p.Ile110Ser (NM_001018008.2, NM_001301289.2, NM_001330344.2 and 5 more transcripts); c.563T>G, p.Ile188Ser (NM_001365778.1); c.437T>G (NM_001018004.1); short protein forms I188S, I110S, I146S.
Identifiers: ClinVar variation 961300 (VCV000961300.10), dbSNP rs2035315481, ClinGen allele CA392722233.